The following is an entry in ClinVar:

ClinVar aggregate classification (germline): Uncertain significance (1 of 4 stars; one submission).

Conditions:
SOX6-related disorder. Also called: SOX6-related condition.

Submission:

PreventionGenetics, part of Exact Sciences
Classification: Uncertain significance for SOX6-related condition. Last evaluated: 2025-05-06. Review status: criteria provided, single submitter. Criteria: ACMG Guidelines, 2015. Collection method: clinical testing. Allele origin: germline.
Comment: The SOX6 c.1420A>G variant is predicted to result in the amino acid substitution p.Lys474Glu. To our knowledge, this variant has not been reported in the literature or in a large population database (gnomAD), indicating this variant is rare. At this time, the clinical significance of this variant is uncertain due to the absence of conclusive functional and genetic evidence.

NM_001367873.1(SOX6):c.1381A>G (p.Lys461Glu)

Gene: SOX6 (SRY-box transcription factor 6; minus strand). Cytogenetic location: 11p15.2.
Variant type: single nucleotide variant.
Coding change: c.1381A>G on transcript NM_001367873.1 (MANE Select); coding-DNA position 1381, A replaced by G.
Protein change: p.Lys461Glu; replaces lysine 461 with glutamic acid.
Molecular consequence: missense variant.
Genome position (GRCh38, 1-based): chr11:16,049,809, T>C on the plus strand (A>G on the coding strand, the complement: SOX6 is on the minus strand). VCF-style: chr11-16049809-T-C. GRCh37 (hg19) VCF-style: chr11-16071355-T-C.
Other names: c.1258A>G, p.Lys420Glu (NM_001145811.2, NM_001367872.1, NM_017508.3); c.1381A>G, p.Lys461Glu (NM_001145819.2, NM_033326.3); short protein forms K420E, K461E.
Identifiers: ClinVar variation 2631684 (VCV002631684.2), dbSNP rs2133913218, ClinGen allele CA379876664.